The following is an entry in ClinVar:

ClinVar aggregate classification (germline): Uncertain significance (1 of 4 stars; one submission).

Submission:

Labcorp Genetics (formerly Invitae), Labcorp
Classification: Uncertain significance. Last evaluated: 2022-10-13. Review status: criteria provided, single submitter. Criteria: Invitae Variant Classification Sherloc (09022015). Collection method: clinical testing. Allele origin: germline.
Comment: This sequence change replaces threonine, which is neutral and polar, with alanine, which is neutral and non-polar, at codon 25 of the CYP19A1 protein (p.Thr25Ala). This variant is not present in population databases (gnomAD no frequency). This variant has not been reported in the literature in individuals affected with CYP19A1-related conditions. Algorithms developed to predict the effect of missense changes on protein structure and function output the following: SIFT: "Tolerated"; PolyPhen-2: "Benign"; Align-GVGD: "Class C0". The alanine amino acid residue is found in multiple mammalian species, which suggests that this missense change does not adversely affect protein function. In summary, the available evidence is currently insufficient to determine the role of this variant in disease. Therefore, it has been classified as a Variant of Uncertain Significance.

NM_000103.4(CYP19A1):c.73A>G (p.Thr25Ala)

Genes: CYP19A1 (cytochrome P450 family 19 subfamily A member 1; minus strand), MIR4713HG (MIR4713 host gene; plus strand), PIRC66 (piwi-interacting RNA cluster 66; plus strand). Cytogenetic location: 15q21.2.
Variant type: single nucleotide variant.
Coding change: c.73A>G on transcript NM_000103.4 (MANE Select); coding-DNA position 73, A replaced by G.
Protein change: p.Thr25Ala; replaces threonine 25 with alanine.
Molecular consequence: missense variant.
Genome position (GRCh38, 1-based): chr15:51,242,840, T>C on the plus strand (A>G on the coding strand, the complement: CYP19A1 is on the minus strand). VCF-style: chr15-51242840-T-C. GRCh37 (hg19) VCF-style: chr15-51535037-T-C.
Other names: c.73A>G, p.Thr25Ala (NM_001347248.1, NM_001347249.2, NM_001347250.2 and 7 more transcripts); short protein forms T25A.
Identifiers: ClinVar variation 2153303 (VCV002153303.1), dbSNP rs983210603, ClinGen allele CA270544094.